The following is an entry in ClinVar:

NM_007227.3(GPR45):c.408C>G (p.Ile136Met)

Gene: GPR45 (G protein-coupled receptor 45; plus strand). Cytogenetic location: 2q12.1.
Variant type: single nucleotide variant.
Coding change: c.408C>G on transcript NM_007227.3 (MANE Select); coding-DNA position 408, C replaced by G.
Protein change: p.Ile136Met; replaces isoleucine 136 with methionine.
Molecular consequence: missense variant.
Genome position (GRCh38, 1-based): chr2:105,242,266, C>G. VCF-style: chr2-105242266-C-G. GRCh37 (hg19) VCF-style: chr2-105858723-C-G.
Other names: short protein forms I136M.
Identifiers: ClinVar variation 3695026 (VCV003695026.2).

ClinVar aggregate classification (germline): Uncertain significance (1 of 4 stars; one submission).

Submission:

Labcorp Genetics (formerly Invitae), Labcorp
Classification: Uncertain significance. Last evaluated: 2024-03-31. Review status: criteria provided, single submitter. Criteria: Invitae Variant Classification Sherloc (09022015). Collection method: clinical testing. Allele origin: germline.
Comment: This sequence change replaces isoleucine, which is neutral and non-polar, with methionine, which is neutral and non-polar, at codon 136 of the GPR45 protein (p.Ile136Met). This variant is not present in population databases (gnomAD no frequency). This variant has not been reported in the literature in individuals affected with GPR45-related conditions. An algorithm developed to predict the effect of missense changes on protein structure and function (PolyPhen-2) suggests that this variant is likely to be disruptive. In summary, the available evidence is currently insufficient to determine the role of this variant in disease. Therefore, it has been classified as a Variant of Uncertain Significance.